The following is an entry in ClinVar:

NM_004535.3(MYT1):c.865G>A (p.Glu289Lys)

Gene: MYT1 (myelin transcription factor 1; plus strand). Cytogenetic location: 20q13.33.
Variant type: single nucleotide variant.
Coding change: c.865G>A on transcript NM_004535.3 (MANE Select); coding-DNA position 865, G replaced by A.
Protein change: p.Glu289Lys; replaces glutamic acid 289 with lysine.
Molecular consequence: missense variant.
Genome position (GRCh38, 1-based): chr20:64,208,061, G>A. VCF-style: chr20-64208061-G-A. GRCh37 (hg19) VCF-style: chr20-62839414-G-A.
Other names: short protein forms E289K.
Identifiers: ClinVar variation 714389 (VCV000714389.7), dbSNP rs141023903, ClinGen allele CA9974714.

ClinVar aggregate classification (germline): Likely benign. Review status: criteria provided, multiple submitters, no conflicts (2 of 4 stars). 3 submissions from 3 submitters: Likely benign (2). 1 of the submissions does not count toward it. Last evaluated 2024-11-08.

Conditions:
MYT1-related disorder. Also called: MYT1-related condition.

Allele frequency attached by ClinVar (database versions not stated): 1000 Genomes Project 0.00100; 1000 Genomes Project 30x 0.00141; gnomAD exomes 0.00296 and 0.00477; ExAC 0.00299; gnomAD 0.00300 and 0.00316; ESP Exome Variant Server 0.00369.
gnomAD v4.1: 7,316 of 1,605,052 alleles (0.46%); highest among the groups gnomAD compares: Non-Finnish European, 0.55%; 33 homozygotes.

Submissions (3):

Blueprint Genetics
Classification: Likely benign. Last evaluated: 2024-11-08. Review status: criteria provided, single submitter. Criteria: ACMG Guidelines, 2015. Collection method: clinical testing. Allele origin: germline.

Labcorp Genetics (formerly Invitae), Labcorp
Classification: Likely benign. Last evaluated: 2019-12-31. Review status: criteria provided, single submitter. Criteria: Invitae Variant Classification Sherloc (09022015). Collection method: clinical testing. Allele origin: germline.

PreventionGenetics, part of Exact Sciences
Classification: Benign for MYT1-related condition. Last evaluated: 2019-05-31. Review status: no assertion criteria provided. Collection method: clinical testing. Allele origin: germline. Not counted in ClinVar's aggregate classification.
Comment: This variant is classified as benign based on ACMG/AMP sequence variant interpretation guidelines (Richards et al. 2015 PMID: 25741868, with internal and published modifications).